The following is an entry in ClinVar:

ClinVar aggregate classification (germline): Uncertain significance (1 of 4 stars; one submission).

Allele frequency attached by ClinVar (database versions not stated): ExAC 0.00001; gnomAD exomes 0.00001; gnomAD 0.00003; TOPMed 0.00004; 1000 Genomes Project 30x 0.00031.
gnomAD v4.1: 22 of 1,611,442 alleles (0.0014%); highest among the groups gnomAD compares: African/African-American, 0.008%; no homozygotes.

Submission:

Labcorp Genetics (formerly Invitae), Labcorp
Classification: Uncertain significance. Last evaluated: 2023-02-11. Review status: criteria provided, single submitter. Criteria: Invitae Variant Classification Sherloc (09022015). Collection method: clinical testing. Allele origin: germline.
Comment: Variants that disrupt the consensus splice site are a relatively common cause of aberrant splicing (PMID: 17576681, 9536098). Algorithms developed to predict the effect of sequence changes on RNA splicing suggest that this variant is not likely to affect RNA splicing. In summary, the available evidence is currently insufficient to determine the role of this variant in disease. Therefore, it has been classified as a Variant of Uncertain Significance. ClinVar contains an entry for this variant (Variation ID: 1440066). This variant has not been reported in the literature in individuals affected with A2ML1-related conditions. This variant is present in population databases (rs776374407, gnomAD 0.002%). This sequence change falls in intron 33 of the A2ML1 gene. It does not directly change the encoded amino acid sequence of the A2ML1 protein. It affects a nucleotide within the consensus splice site.

Literature cited by the submitters: PubMed 17576681; PubMed 9536098.

NM_144670.6(A2ML1):c.4222-3C>T

Gene: A2ML1 (alpha-2-macroglobulin like 1; plus strand). Cytogenetic location: 12p13.31.
Variant type: single nucleotide variant.
Coding change: c.4222-3C>T on transcript NM_144670.6 (MANE Select); 3 bases into the intron before coding-DNA position 4222, C replaced by T.
Molecular consequence: intron variant.
Genome position (GRCh38, 1-based): chr12:8,874,422, C>T. VCF-style: chr12-8874422-C-T. GRCh37 (hg19) VCF-style: chr12-9027018-C-T.
Other names: c.2749-3C>T (NM_001282424.3).
Identifiers: ClinVar variation 1440066 (VCV001440066.7), dbSNP rs776374407, ClinGen allele CA6436651.
Genomic context (GRCh38, chr12:8,874,422, plus strand): 5'-CATTGCATACAGTGTAATTTTCATTTTACTTCTAAGGTACTGTTTCATCTGTCTTCCCCA[C>T]AGCTCATTAAGAACACTCAGACTTACACCTTCACCATCAGCCAAAGTGTGCTGGTCACCA-3'